The following is an entry in ClinVar:

NM_001142800.2(EYS):c.1300-3C>T

Gene: EYS (EGF-like photoreceptor maintenance factor; minus strand). Cytogenetic location: 6q12.
Variant type: single nucleotide variant.
Coding change: c.1300-3C>T on transcript NM_001142800.2 (MANE Select); 3 bases into the intron before coding-DNA position 1300, C replaced by T.
Molecular consequence: intron variant.
Genome position (GRCh38, 1-based): chr6:65,353,620, G>A on the plus strand (C>T on the coding strand, the complement: EYS is on the minus strand). VCF-style: chr6-65353620-G-A. GRCh37 (hg19) VCF-style: chr6-66063513-G-A.
Other names: c.1300-3C>T (NM_001292009.2, NM_001142801.2, NM_198283.2 and 1 more transcripts).
Identifiers: ClinVar variation 137263 (VCV000137263.22), dbSNP rs1936439, ClinGen allele CA290796.
Genomic context (GRCh38, chr6:65,353,620, plus strand): 5'-GGTAAACATTCTTCAAAAACCAACATGGATTTTTTGTGCACCCTGGAATGCATACATACT[G>A]CAAAAAGGAAACAAGGAAAAATGGTAAATTCTTTTTTGATATATTTTTCAATATATACAT-3'

ClinVar aggregate classification (germline): Benign. Review status: criteria provided, multiple submitters, no conflicts (2 of 4 stars). 10 submissions from 10 submitters: Benign (7). 3 of the submissions do not count toward it. Last evaluated 2026-02-04.

Conditions:
Retinitis pigmentosa (RP). Identifiers: Orphanet 791, MedGen C0035334, MeSH D012174, MONDO:0019200, OMIM 268000. Inheritance: Autosomal dominant, autosomal recessive and X linked inheritance.
Retinitis pigmentosa 25 (RP25). Identifiers: Orphanet 791, MedGen C1864446, MONDO:0011272, OMIM 602772.

Allele frequency attached by ClinVar (database versions not stated): 1000 Genomes Project 0.65116; 1000 Genomes Project 30x 0.65162; TOPMed 0.66758; gnomAD exomes 0.67135 and 0.67848; ExAC 0.67463; gnomAD 0.67522 and 0.67592; ESP Exome Variant Server 0.68145.
gnomAD v4.1: 1,088,744 of 1,606,356 alleles (68%); highest among the groups gnomAD compares: South Asian, 71%; 370,343 homozygotes.

Submissions (10):

Labcorp Genetics (formerly Invitae), Labcorp
Classification: Benign. Last evaluated: 2026-02-04. Review status: criteria provided, single submitter. Criteria: Invitae Variant Classification Sherloc (09022015). Collection method: clinical testing. Allele origin: germline.

Blueprint Genetics
Classification: Benign. Last evaluated: 2024-11-27. Review status: criteria provided, single submitter. Criteria: ACMG Guidelines, 2015. Collection method: clinical testing. Allele origin: germline.

Women's Health and Genetics/Laboratory Corporation of America, LabCorp
Classification: Benign. Last evaluated: 2023-04-17. Review status: criteria provided, single submitter. Criteria: LabCorp Variant Classification Summary - May 2015. Collection method: clinical testing. Allele origin: germline.

Genome-Nilou Lab
Classification: Benign for Retinitis pigmentosa 25. Last evaluated: 2021-07-01. Review status: criteria provided, single submitter. Criteria: ACMG Guidelines, 2015. Collection method: clinical testing. Allele origin: germline. Affected: no.

Illumina Laboratory Services, Illumina
Classification: Benign for Retinitis pigmentosa. Last evaluated: 2018-01-12. Review status: criteria provided, single submitter. Criteria: ICSL Variant Classification Criteria 13 December 2019. Collection method: clinical testing. Allele origin: germline.
Comment: This variant was observed in the ICSL laboratory as part of a predisposition screen in an ostensibly healthy population. It had not been previously curated by ICSL or reported in the Human Gene Mutation Database (HGMD: prior to June 1st, 2018), and was therefore a candidate for classification through an automated scoring system. Utilizing variant allele frequency, disease prevalence and penetrance estimates, and inheritance mode, an automated score was calculated to assess if this variant is too frequent to cause the disease. Based on the score and internal cut-off values, a variant classified as benign is not then subjected to further curation. The score for this variant resulted in a classification of benign for this disease.

Clinical Genetics DNA and cytogenetics Diagnostics Lab, Erasmus MC, Erasmus Medical Center
Classification: Benign for Retinitis pigmentosa 25. Last evaluated: 2017-05-31. Review status: criteria provided, single submitter. Criteria: ACGS Guidelines, 2013. Collection method: clinical testing. Allele origin: germline. Affected: yes. Study: VKGL Data-share Consensus.

GeneDx
Classification: Benign. Last evaluated: 2011-07-05. Review status: criteria provided, single submitter. Criteria: GeneDx Variant Classification (06012015). Collection method: clinical testing. Allele origin: germline. Affected: yes.
Comment: This variant is considered likely benign or benign based on one or more of the following criteria: it is a conservative change, it occurs at a poorly conserved position in the protein, it is predicted to be benign by multiple in silico algorithms, and/or has population frequency not consistent with disease.

Natera, Inc.
Classification: Benign for Retinitis pigmentosa. Last evaluated: 2020-09-16. Review status: no assertion criteria provided. Collection method: clinical testing. Allele origin: germline. Not counted in ClinVar's aggregate classification.

Diagnostic Laboratory, Department of Genetics, University Medical Center Groningen
Classification: Benign for Retinitis pigmentosa 25. Review status: no assertion criteria provided. Collection method: clinical testing. Allele origin: germline. Affected: yes. Study: VKGL Data-share Consensus. Not counted in ClinVar's aggregate classification.

Joint Genome Diagnostic Labs from Nijmegen and Maastricht, Radboudumc and MUMC+
Classification: Benign. Review status: no assertion criteria provided. Collection method: clinical testing. Allele origin: germline. Affected: yes. Study: VKGL Data-share Consensus. Not counted in ClinVar's aggregate classification.